The following is an entry in ClinVar:

NM_001267550.2(TTN):c.106532-2A>C

Genes: TTN (titin; minus strand), TTN-AS1 (TTN antisense RNA 1; plus strand). Cytogenetic location: 2q31.2.
Variant type: single nucleotide variant.
Coding change: c.106532-2A>C on transcript NM_001267550.2 (MANE Select); the canonical splice acceptor site of the intron before coding-DNA position 106532, A replaced by C.
Molecular consequence: splice acceptor variant.
Genome position (GRCh38, 1-based): chr2:178,529,221, T>G on the plus strand (A>C on the coding strand, the complement: TTN is on the minus strand). VCF-style: chr2-178529221-T-G. GRCh37 (hg19) VCF-style: chr2-179393948-T-G.
Other names: c.79337-2A>C (NM_003319.4); c.79913-2A>C (NM_133437.4); c.79712-2A>C (NM_133432.3); c.98828-2A>C (NM_133378.4); c.101609-2A>C (NM_001256850.1).
Identifiers: ClinVar variation 1514853 (VCV001514853.7), dbSNP rs753610150, ClinGen allele CA1985076.

ClinVar aggregate classification (germline): Conflicting classifications of pathogenicity. Review status: criteria provided, conflicting classifications (1 of 4 stars). 2 submissions from 2 submitters: Likely pathogenic (1); Uncertain significance (1). Last evaluated 2026-01-27.

Conditions:
Autosomal recessive limb-girdle muscular dystrophy type 2J (LGMDR10). Also called: MUSCULAR DYSTROPHY, LIMB-GIRDLE, AUTOSOMAL RECESSIVE 10; Limb-girdle muscular dystrophy, type 2J. Identifiers: Orphanet 140922, MedGen C1837342, MONDO:0012127, OMIM 608807.
Dilated cardiomyopathy 1G (CMD1G). Identifiers: Orphanet 154, MedGen C1858763, MONDO:0011400, OMIM 604145.
Cardiovascular phenotype. Identifiers: MedGen CN230736.

Allele frequency attached by ClinVar (database versions not stated): TOPMed below 0.00001; gnomAD exomes 0.00001; ExAC 0.00006.

Submissions (2):

Ambry Genetics
Classification: Uncertain significance for Cardiovascular phenotype. Last evaluated: 2026-01-27. Review status: criteria provided, single submitter. Criteria: Ambry Variant Classification Scheme 2023. Collection method: clinical testing. Allele origin: germline.
Comment: The c.79337-2A>C intronic variant results from an A to C substitution two nucleotides upstream from coding exon 187 in the TTN gene. This exon is located in the M-band region of the N2-B isoform of the titin protein and is constitutively expressed in TTN transcripts (percent spliced in or PSI 100%). This nucleotide position is highly conserved in available vertebrate species. In silico splice site analysis predicts that this alteration will weaken the native splice acceptor site and will result in the creation or strengthening of a novel splice acceptor site. This variant disrupts the canonical splice site and is expected to cause aberrant splicing. However, although direct evidence is unavailable, this variant is predicted to result in an in-frame transcript that is not expected to trigger nonsense-mediated mRNA decay. The exact functional effect of the predicted splice impact is unknown. Based on the available evidence, the clinical significance of this variant remains unclear.

Labcorp Genetics (formerly Invitae), Labcorp
Classification: Likely pathogenic for Dilated cardiomyopathy 1G; Autosomal recessive limb-girdle muscular dystrophy type 2J. Last evaluated: 2021-08-15. Review status: criteria provided, single submitter. Criteria: Invitae Variant Classification Sherloc (09022015). Collection method: clinical testing. Allele origin: germline.
Comment: This variant is located in the M band of TTN (PMID: 25589632). Truncating variants in this region have been previously reported in individuals affected with autosomal recessive myopathy and muscular dystrophy (PMID: 18948003, 23975875, 24395473), but have not been definitively shown to cause cardiomyopathy (PMID: 25589632). In summary, the currently available evidence indicates that the variant is pathogenic, but additional data are needed to prove that conclusively. Therefore, this variant has been classified as Likely Pathogenic. Algorithms developed to predict the effect of sequence changes on RNA splicing suggest that this variant may disrupt the consensus splice site. This variant has not been reported in the literature in individuals affected with TTN-related conditions. The frequency data for this variant in the population databases is considered unreliable, as metrics indicate poor data quality at this position in the ExAC database. This sequence change affects an acceptor splice site in intron 359 of the TTN gene. It is expected to disrupt RNA splicing and likely results in a truncated or disrupted TTN protein.

Literature cited by the submitters: PubMed 25589632 (cited by Labcorp Genetics (formerly Invitae), Labcorp); PubMed 18948003 (cited by Labcorp Genetics (formerly Invitae), Labcorp); PubMed 23975875 (cited by Labcorp Genetics (formerly Invitae), Labcorp); PubMed 24395473 (cited by Labcorp Genetics (formerly Invitae), Labcorp).